The following is an entry in ClinVar:

ClinVar aggregate classification (germline): Uncertain significance (1 of 4 stars; one submission).

Submission:

Labcorp Genetics (formerly Invitae), Labcorp
Classification: Uncertain significance. Last evaluated: 2022-12-04. Review status: criteria provided, single submitter. Criteria: Invitae Variant Classification Sherloc (09022015). Collection method: clinical testing. Allele origin: germline.
Comment: In summary, the available evidence is currently insufficient to determine the role of this variant in disease. Therefore, it has been classified as a Variant of Uncertain Significance. Advanced modeling of protein sequence and biophysical properties (such as structural, functional, and spatial information, amino acid conservation, physicochemical variation, residue mobility, and thermodynamic stability) performed at Invitae indicates that this missense variant is expected to disrupt NOTCH3 protein function. This variant has not been reported in the literature in individuals affected with NOTCH3-related conditions. This variant is not present in population databases (gnomAD no frequency). This sequence change replaces cysteine, which is neutral and slightly polar, with tyrosine, which is neutral and polar, at codon 921 of the NOTCH3 protein (p.Cys921Tyr).

NM_000435.3(NOTCH3):c.2762G>A (p.Cys921Tyr)

Gene: NOTCH3 (notch receptor 3; minus strand). Cytogenetic location: 19p13.12.
Variant type: single nucleotide variant.
Coding change: c.2762G>A on transcript NM_000435.3 (MANE Select); coding-DNA position 2762, G replaced by A.
Protein change: p.Cys921Tyr; replaces cysteine 921 with tyrosine.
Molecular consequence: missense variant.
Genome position (GRCh38, 1-based): chr19:15,181,606, C>T on the plus strand (G>A on the coding strand, the complement: NOTCH3 is on the minus strand). VCF-style: chr19-15181606-C-T. GRCh37 (hg19) VCF-style: chr19-15292417-C-T.
Other names: short protein forms C921Y.
Identifiers: ClinVar variation 2783855 (VCV002783855.3), dbSNP rs2512647626, ClinGen allele CA404516767.
Genomic context (GRCh38, chr19:15,181,606, plus strand): 5'-CCCTGCTCTCCAAGCAGAGGCCCCGCCCACCTGGGGCTGCAGTCGGGCAGGTCCTGTTCG[C>T]AGTGGAAGCCTCCGTAGCCTGGCGGGCAGGTGCAGGTGAAGGAGGCCACGTGGTCGGTAC-3'
Protein context (NP_000426.2, residues 911-931): TCPPGYGGFH[Cys921Tyr]EQDLPDCSPS